The following is an entry in ClinVar:

ClinVar aggregate classification (germline): Likely benign. Review status: criteria provided, multiple submitters, no conflicts (2 of 4 stars). 3 submissions from 3 submitters: Likely benign (3). Last evaluated 2025-04-19.

Conditions:
Autosomal recessive ataxia, Beauce type. Also called: SYNE1-Related Autosomal Recessive Cerebellar Ataxia; Spinocerebellar ataxia, autosomal recessive 8; SYNE1 Deficiency; ATAXIA, RECESSIVE, OF BEAUCE. Identifiers: Orphanet 88644, MedGen C1853116, MONDO:0012549, OMIM 610743.
Emery-Dreifuss muscular dystrophy 4, autosomal dominant (EDMD4). Also called: EMERY-DREIFUSS MUSCULAR DYSTROPHY 4 WITH VARIABLE FEATURES. Identifiers: Orphanet 261, MedGen C2751807, MONDO:0013071, OMIM 612998.

Allele frequency attached by ClinVar (database versions not stated): TOPMed 0.00006; gnomAD exomes 0.00007.
gnomAD v4.1: 212 of 1,613,348 alleles (0.013%); highest among the groups gnomAD compares: Middle Eastern, 0.016%; no homozygotes.

Submissions (3):

Labcorp Genetics (formerly Invitae), Labcorp
Classification: Likely benign for Emery-Dreifuss muscular dystrophy 4, autosomal dominant; Autosomal recessive ataxia, Beauce type. Last evaluated: 2025-04-19. Review status: criteria provided, single submitter. Criteria: Invitae Variant Classification Sherloc (09022015). Collection method: clinical testing. Allele origin: germline.

Blueprint Genetics
Classification: Likely benign. Last evaluated: 2023-02-28. Review status: criteria provided, single submitter. Criteria: ACMG Guidelines, 2015. Collection method: clinical testing. Allele origin: germline.

GeneDx
Classification: Likely benign. Last evaluated: 2017-04-12. Review status: criteria provided, single submitter. Criteria: GeneDx Variant Classification (06012015). Collection method: clinical testing. Allele origin: germline. Affected: yes.
Comment: This variant is considered likely benign or benign based on one or more of the following criteria: it is a conservative change, it occurs at a poorly conserved position in the protein, it is predicted to be benign by multiple in silico algorithms, and/or has population frequency not consistent with disease.

NM_182961.4(SYNE1):c.1632+12G>T

Gene: SYNE1 (spectrin repeat containing nuclear envelope protein 1; minus strand). Cytogenetic location: 6q25.2.
Variant type: single nucleotide variant.
Coding change: c.1632+12G>T on transcript NM_182961.4 (MANE Select); 12 bases into the intron after coding-DNA position 1632, G replaced by T.
Molecular consequence: intron variant.
Genome position (GRCh38, 1-based): chr6:152,471,585, C>A on the plus strand (G>T on the coding strand, the complement: SYNE1 is on the minus strand). VCF-style: chr6-152471585-C-A. GRCh37 (hg19) VCF-style: chr6-152792720-C-A.
Other names: c.1653+12G>T (NM_033071.5).
Identifiers: ClinVar variation 389561 (VCV000389561.9), dbSNP rs765558597, ClinGen allele CA4059358.